The following is an entry in ClinVar:

ClinVar aggregate classification (germline): Uncertain significance (1 of 4 stars; one submission).

Conditions:
Hereditary cancer-predisposing syndrome. Also called: Neoplastic Syndromes, Hereditary; Tumor predisposition; Hereditary Cancer Syndrome; Hereditary neoplastic syndrome. Identifiers: Orphanet 140162, MedGen C0027672, MeSH D009386, MONDO:0015356.

Submission:

Ambry Genetics
Classification: Uncertain significance for Hereditary cancer-predisposing syndrome. Last evaluated: 2025-11-24. Review status: criteria provided, single submitter. Criteria: Ambry Variant Classification Scheme 2023. Collection method: clinical testing. Allele origin: germline.
Comment: The c.2296-5C>T intronic variant results from a C to T substitution 5 nucleotides upstream from coding exon 15 in the CDH1 gene. This nucleotide position is poorly conserved in available vertebrate species. In silico splice site analysis predicts that this alteration will not have any significant effect on splicing. Based on the available evidence, the clinical significance of this variant remains unclear.

NM_004360.5(CDH1):c.2296-5C>T

Gene: CDH1 (cadherin 1; plus strand). Cytogenetic location: 16q22.1.
Variant type: single nucleotide variant.
Coding change: c.2296-5C>T on transcript NM_004360.5 (MANE Select); 5 bases into the intron before coding-DNA position 2296, C replaced by T.
Molecular consequence: intron variant.
Genome position (GRCh38, 1-based): chr16:68,829,649, C>T. VCF-style: chr16-68829649-C-T. GRCh37 (hg19) VCF-style: chr16-68863552-C-T.
Other names: c.331-5C>T (NM_001317186.2); c.2113-5C>T (NM_001317184.2); c.748-5C>T (NM_001317185.2).
Identifiers: ClinVar variation 4632728 (VCV004632728.1).